The following is an entry in ClinVar:

ClinVar aggregate classification (germline): Uncertain significance. Review status: criteria provided, multiple submitters, no conflicts (2 of 4 stars). 3 submissions from 3 submitters: Uncertain significance (3). Last evaluated 2025-05-10.

Conditions:
Cardiovascular phenotype. Identifiers: MedGen CN230736.

gnomAD v4.1: 1 of 1,614,062 alleles (0.000062%); highest among the groups gnomAD compares: Non-Finnish European, 0.000085%; no homozygotes.

Submissions (3):

Ambry Genetics
Classification: Uncertain significance for Cardiovascular phenotype. Last evaluated: 2025-05-10. Review status: criteria provided, single submitter. Criteria: Ambry Variant Classification Scheme 2023. Collection method: clinical testing. Allele origin: germline.
Comment: The p.R311L variant (also known as c.932G>T), located in coding exon 7 of the TBX20 gene, results from a G to T substitution at nucleotide position 932. The arginine at codon 311 is replaced by leucine, an amino acid with dissimilar properties. This amino acid position is conserved. In addition, this alteration is predicted to be deleterious by in silico analysis. Since supporting evidence is limited at this time, the clinical significance of this alteration remains unclear.

Blueprint Genetics
Classification: Uncertain significance. Last evaluated: 2024-11-18. Review status: criteria provided, single submitter. Criteria: ACMG Guidelines, 2015. Collection method: clinical testing. Allele origin: germline.

Labcorp Genetics (formerly Invitae), Labcorp
Classification: Uncertain significance. Last evaluated: 2024-07-16. Review status: criteria provided, single submitter. Criteria: Invitae Variant Classification Sherloc (09022015). Collection method: clinical testing. Allele origin: germline.
Comment: This sequence change replaces arginine, which is basic and polar, with leucine, which is neutral and non-polar, at codon 311 of the TBX20 protein (p.Arg311Leu). This variant is not present in population databases (gnomAD no frequency). This variant has not been reported in the literature in individuals affected with TBX20-related conditions. ClinVar contains an entry for this variant (Variation ID: 1766591). Advanced modeling of protein sequence and biophysical properties (such as structural, functional, and spatial information, amino acid conservation, physicochemical variation, residue mobility, and thermodynamic stability) performed at Invitae indicates that this missense variant is not expected to disrupt TBX20 protein function with a negative predictive value of 80%. In summary, the available evidence is currently insufficient to determine the role of this variant in disease. Therefore, it has been classified as a Variant of Uncertain Significance.

NM_001077653.2(TBX20):c.932G>T (p.Arg311Leu)

Gene: TBX20 (T-box transcription factor 20; minus strand). Cytogenetic location: 7p14.2.
Variant type: single nucleotide variant.
Coding change: c.932G>T on transcript NM_001077653.2 (MANE Select); coding-DNA position 932, G replaced by T.
Protein change: p.Arg311Leu; replaces arginine 311 with leucine.
Molecular consequence: missense variant.
Genome position (GRCh38, 1-based): chr7:35,204,541, C>A on the plus strand (G>T on the coding strand, the complement: TBX20 is on the minus strand). VCF-style: chr7-35204541-C-A. GRCh37 (hg19) VCF-style: chr7-35244153-C-A.
Other names: short protein forms R311L.
Identifiers: ClinVar variation 1766591 (VCV001766591.6), dbSNP rs113201899, ClinGen allele CA367263581.